The following is an entry in ClinVar:

NM_001329630.2(PLEKHA7):c.3651C>T (p.Ser1217=)

Gene: PLEKHA7 (pleckstrin homology domain containing A7; minus strand). Cytogenetic location: 11p15.2.
Variant type: single nucleotide variant.
Coding change: c.3651C>T on transcript NM_001329630.2 (MANE Select); coding-DNA position 3651, C replaced by T.
Protein change: p.Ser1217=; no amino-acid change (serine 1217 retained).
Molecular consequence: synonymous variant.
Genome position (GRCh38, 1-based): chr11:16,782,896, G>A on the plus strand (C>T on the coding strand, the complement: PLEKHA7 is on the minus strand). VCF-style: chr11-16782896-G-A. GRCh37 (hg19) VCF-style: chr11-16804443-G-A.
Other names: c.3654C>T, p.Ser1218= (NM_001410960.1).
Identifiers: ClinVar variation 4985011 (VCV004985011.1).

ClinVar aggregate classification (germline): Likely benign (1 of 4 stars; one submission).

Conditions:
PLEKHA7-related disorder. Also called: PLEKHA7-related condition.

gnomAD v4.1: 6 of 1,535,960 alleles (0.00039%); highest among the groups gnomAD compares: Admixed American, 0.012%; no homozygotes.

Submission:

PreventionGenetics, part of Exact Sciences
Classification: Likely benign for PLEKHA7-related condition. Last evaluated: 2026-06-01. Review status: criteria provided, single submitter. Criteria: ACMG Guidelines, 2015. Collection method: clinical testing. Allele origin: germline.
Comment: This variant is classified as likely benign based on ACMG/AMP sequence variant interpretation guidelines (Richards et al. 2015 PMID: 25741868, with internal and published modifications).